The following is an entry in ClinVar:

ClinVar aggregate classification (germline): Uncertain significance. Review status: criteria provided, multiple submitters, no conflicts (2 of 4 stars). 2 submissions from 2 submitters: Uncertain significance (2). Last evaluated 2026-07-23.

Conditions:
Cardiovascular phenotype. Identifiers: MedGen CN230736.

gnomAD v4.1: 13 of 1,614,068 alleles (0.00081%); highest among the groups gnomAD compares: East Asian, 0.0045%; no homozygotes.

Submissions (2):

Ambry Genetics
Classification: Uncertain significance for Cardiovascular phenotype. Last evaluated: 2026-07-23. Review status: criteria provided, single submitter. Criteria: Ambry Variant Classification Scheme 2023. Collection method: clinical testing. Allele origin: germline.
Comment: The p.I245T variant (also known as c.734T>C), located in coding exon 5 of the LPL gene, results from a T to C substitution at nucleotide position 734. The isoleucine at codon 245 is replaced by threonine, an amino acid with similar properties. This variant has been identified in the homozygous state and/or in conjunction with other LPL variant(s) in individual(s), but clinical details were limited (Mendes C et al. Mol Genet Metab Rep, 2024 Sep;40:101100). This amino acid position is not well conserved in available vertebrate species. In addition, the in silico prediction for this alteration is inconclusive. Based on the available evidence, the clinical significance of this variant remains unclear.

Labcorp Genetics (formerly Invitae), Labcorp
Classification: Uncertain significance. Last evaluated: 2024-07-23. Review status: criteria provided, single submitter. Criteria: Invitae Variant Classification Sherloc (09022015). Collection method: clinical testing. Allele origin: germline.
Comment: This sequence change replaces isoleucine, which is neutral and non-polar, with threonine, which is neutral and polar, at codon 245 of the LPL protein (p.Ile245Thr). This variant is present in population databases (no rsID available, gnomAD 0.006%). This missense change has been observed in individual(s) with clinical features of LPL-related conditions (Invitae). Advanced modeling of protein sequence and biophysical properties (such as structural, functional, and spatial information, amino acid conservation, physicochemical variation, residue mobility, and thermodynamic stability) performed at Invitae indicates that this missense variant is not expected to disrupt LPL protein function with a negative predictive value of 80%. In summary, the available evidence is currently insufficient to determine the role of this variant in disease. Therefore, it has been classified as a Variant of Uncertain Significance.

Literature cited by the submitters: PubMed 38933898 (cited by Ambry Genetics).

NM_000237.3(LPL):c.734T>C (p.Ile245Thr)

Gene: LPL (lipoprotein lipase; plus strand). Cytogenetic location: 8p21.3.
Variant type: single nucleotide variant.
Coding change: c.734T>C on transcript NM_000237.3 (MANE Select); coding-DNA position 734, T replaced by C.
Protein change: p.Ile245Thr; replaces isoleucine 245 with threonine.
Molecular consequence: missense variant.
Genome position (GRCh38, 1-based): chr8:19,954,312, T>C. VCF-style: chr8-19954312-T-C. GRCh37 (hg19) VCF-style: chr8-19811823-T-C.
Other names: c.734T>C (NM_000237.2); short protein forms I245T.
Identifiers: ClinVar variation 3706043 (VCV003706043.3).